The following is an entry in ClinVar:

ClinVar aggregate classification (germline): Uncertain significance. Review status: criteria provided, multiple submitters, no conflicts (2 of 4 stars). 2 submissions from 2 submitters: Uncertain significance (2). Last evaluated 2025-12-08.

Conditions:
NPHP1-related disorder. Also called: NPHP1-related disorders; NPHP1-related condition.
Nephronophthisis 1 (NPHP1). Also called: Nephronophthisis familial juvenile. Identifiers: Orphanet 655, Orphanet 93592, MedGen C1855681, MONDO:0009728, OMIM 256100.
Senior-Loken syndrome 1 (SLSN1). Also called: JUVENILE NEPHRONOPHTHISIS WITH LEBER AMAUROSIS. Identifiers: Orphanet 3156, MedGen C4551559, MONDO:0009962, OMIM 266900.
Joubert syndrome with renal defect. Also called: JOUBERT SYNDROME 4. Identifiers: Orphanet 220497, MedGen C1846790, MONDO:0012308, OMIM 609583.

gnomAD v4.1: 1 of 1,610,976 alleles (0.000062%); highest among the groups gnomAD compares: Admixed American, 0.0017%; no homozygotes.

Submissions (2):

PreventionGenetics, part of Exact Sciences
Classification: Uncertain significance for NPHP1-related condition. Last evaluated: 2025-12-08. Review status: criteria provided, single submitter. Criteria: ACMG Guidelines, 2015. Collection method: clinical testing. Allele origin: germline.
Comment: The NPHP1 c.1929+8A>G variant is predicted to interfere with splicing. This variant is predicted to alter splicing based on available splicing prediction software (SpliceAI, Jaganathan et al. 2019. PubMed ID: 30661751). However, the use of computer prediction softwares is not equivalent to functional evidence. To our knowledge, this variant has not been reported in the literature. This variant is reported in 0.0029% of alleles in individuals of Latino descent in gnomAD. At this time, the clinical significance of this variant is uncertain due to the absence of conclusive functional and genetic evidence.

Fulgent Genetics
Classification: Uncertain significance for Nephronophthisis 1; Senior-Loken syndrome 1; Joubert syndrome with renal defect. Last evaluated: 2024-01-22. Review status: criteria provided, single submitter. Criteria: ACMG Guidelines, 2015. Collection method: clinical testing. Allele origin: germline.

NM_001128178.3(NPHP1):c.1761+8A>G

Gene: NPHP1 (nephrocystin 1; minus strand). Cytogenetic location: 2q13.
Variant type: single nucleotide variant.
Coding change: c.1761+8A>G on transcript NM_001128178.3 (MANE Select); 8 bases into the intron after coding-DNA position 1761, A replaced by G.
Molecular consequence: intron variant.
Genome position (GRCh38, 1-based): chr2:110,125,629, T>C on the plus strand (A>G on the coding strand, the complement: NPHP1 is on the minus strand). VCF-style: chr2-110125629-T-C. GRCh37 (hg19) VCF-style: chr2-110883206-T-C.
Other names: c.1929+8A>G (NM_000272.3, NM_000272.4, NM_000272.5); c.1572+8A>G (NM_001128179.3); c.1758+8A>G (NM_001374256.1); c.1761+8A>G (NM_001374257.1); c.1926+8A>G (NM_207181.4).
Identifiers: ClinVar variation 3584236 (VCV003584236.2).